The following is an entry in ClinVar:

ClinVar aggregate classification (germline): Pathogenic (1 of 4 stars; one submission).

Conditions:
Hereditary cancer-predisposing syndrome. Also called: Tumor predisposition; Hereditary neoplastic syndrome; Hereditary Cancer Syndrome; Neoplastic Syndromes, Hereditary. Identifiers: Orphanet 140162, MedGen C0027672, MeSH D009386, MONDO:0015356.

Submission:

Ambry Genetics
Classification: Pathogenic for Hereditary cancer-predisposing syndrome. Last evaluated: 2025-04-14. Review status: criteria provided, single submitter. Criteria: Ambry Variant Classification Scheme 2023. Collection method: clinical testing. Allele origin: germline.
Comment: The c.1671dupA pathogenic mutation, located in coding exon 9 of the SMARCA4 gene, results from a duplication of A at nucleotide position 1671, causing a translational frameshift with a predicted alternate stop codon (p.D558Rfs*6). This alteration is expected to result in loss of function by premature protein truncation or nonsense-mediated mRNA decay. Loss-of-function variants in SMARCA4 are known to cause rhabdoid tumor predisposition syndrome including small cell carcinoma of the ovary-hypercalcemic type (SCCOHT); however, such associations with neurodevelopmental disorders are exceedingly rare (Kosho T et al. Am J Med Genet C Semin Med Genet. 2014 Sep;166C(3):262-75; Jelinic P et al. Nat Genet. 2014 May;46(5):424-6). Based on the supporting evidence, this alteration is pathogenic for rhabdoid tumor predisposition syndrome; however, the association of this alteration with Coffin-Siris syndrome is unlikely.

NM_003072.5(SMARCA4):c.1671dup (p.Asp558fs)

Gene: SMARCA4 (SWI/SNF related BAF chromatin remodeling complex subunit ATPase 4; plus strand). Cytogenetic location: 19p13.2.
Variant type: Duplication.
Coding change: c.1671dup on transcript NM_003072.5 (MANE Select); coding-DNA position 1671, one base duplicated (A; older notation c.1671dupA).
Protein change: p.Asp558fs; shifts the reading frame from aspartic acid 558.
Molecular consequence: frameshift variant. On other transcripts: non-coding transcript variant (1).
Genome position (GRCh38, 1-based): chr19:10,996,290, A duplicated. VCF-style (leftmost placement, unchanged base first): chr19-10996289-C-CA. GRCh37 (hg19) VCF-style: chr19-11106965-C-CA.
Other names: c.1671dup, p.Asp558fs (NM_001128844.3, NM_001128845.2, NM_001128846.2 and 6 more transcripts); short protein forms D558fs.
Identifiers: ClinVar variation 3958432 (VCV003958432.1).